The following is an entry in ClinVar:

ClinVar aggregate classification (germline): Uncertain significance (1 of 4 stars; one submission).

Allele frequency attached by ClinVar (database versions not stated): gnomAD 0.00001; gnomAD exomes 0.00001; TOPMed 0.00001; ExAC 0.00002.
gnomAD v4.1: 12 of 1,611,938 alleles (0.00074%); highest among the groups gnomAD compares: East Asian, 0.0067%; no homozygotes.

Submission:

Labcorp Genetics (formerly Invitae), Labcorp
Classification: Uncertain significance. Last evaluated: 2022-06-18. Review status: criteria provided, single submitter. Criteria: Invitae Variant Classification Sherloc (09022015). Collection method: clinical testing. Allele origin: germline.
Comment: This variant is present in population databases (rs751809093, gnomAD 0.007%). This sequence change replaces arginine, which is basic and polar, with tryptophan, which is neutral and slightly polar, at codon 1220 of the LAMA1 protein (p.Arg1220Trp). This variant has not been reported in the literature in individuals affected with LAMA1-related conditions. Algorithms developed to predict the effect of missense changes on protein structure and function are either unavailable or do not agree on the potential impact of this missense change (SIFT: "Deleterious"; PolyPhen-2: "Benign"; Align-GVGD: "Class C0"). In summary, the available evidence is currently insufficient to determine the role of this variant in disease. Therefore, it has been classified as a Variant of Uncertain Significance.

NM_005559.4(LAMA1):c.3658C>T (p.Arg1220Trp)

Gene: LAMA1 (laminin subunit alpha 1; minus strand). Cytogenetic location: 18p11.31.
Variant type: single nucleotide variant.
Coding change: c.3658C>T on transcript NM_005559.4 (MANE Select); coding-DNA position 3658, C replaced by T.
Protein change: p.Arg1220Trp; replaces arginine 1220 with tryptophan.
Molecular consequence: missense variant.
Genome position (GRCh38, 1-based): chr18:7,011,329, G>A on the plus strand (C>T on the coding strand, the complement: LAMA1 is on the minus strand). VCF-style: chr18-7011329-G-A. GRCh37 (hg19) VCF-style: chr18-7011328-G-A.
Other names: short protein forms R1220W.
Identifiers: ClinVar variation 1985666 (VCV001985666.4), dbSNP rs751809093, ClinGen allele CA8882205.